The following is an entry in ClinVar:

ClinVar aggregate classification (germline): Uncertain significance (1 of 4 stars; one submission).

gnomAD v4.1: 3 of 1,614,234 alleles (0.00019%); highest among the groups gnomAD compares: Non-Finnish European, 0.00025%; no homozygotes.

Submission:

CeGaT Center for Human Genetics Tuebingen
Classification: Uncertain significance. Last evaluated: 2022-06-01. Review status: criteria provided, single submitter. Criteria: CeGaT Center For Human Genetics Tuebingen Variant Classification Criteria Version 2. Collection method: clinical testing. Allele origin: germline. Affected: yes. Observed: 1 variant allele.
Comment: SYNE1: PM2

NM_182961.4(SYNE1):c.8851A>T (p.Met2951Leu)

Genes: SYNE1 (spectrin repeat containing nuclear envelope protein 1; minus strand), SYNE1-AS1 (SYNE1 antisense RNA 1; plus strand). Cytogenetic location: 6q25.2.
Variant type: single nucleotide variant.
Coding change: c.8851A>T on transcript NM_182961.4 (MANE Select); coding-DNA position 8851, A replaced by T.
Protein change: p.Met2951Leu; replaces methionine 2951 with leucine.
Molecular consequence: missense variant. On other transcripts: non-coding transcript variant (1).
Genome position (GRCh38, 1-based): chr6:152,381,164, T>A on the plus strand (A>T on the coding strand, the complement: SYNE1 is on the minus strand). VCF-style: chr6-152381164-T-A. GRCh37 (hg19) VCF-style: chr6-152702299-T-A.
Other names: c.8872A>T, p.Met2958Leu (NM_033071.5); short protein forms M2951L, M2958L.
Identifiers: ClinVar variation 1695171 (VCV001695171.31), dbSNP rs1202916520, ClinGen allele CA366144215.
Genomic context (GRCh38, chr6:152,381,164, plus strand): 5'-GTTCCAGGGCCTGCTCCAGTTGAGCCACTTGGCCTGAGAATTCCTGCTCCGAAAGGGCCA[T>A]CTGGCTGACCAGGTTCTCCAAACAGCTCTGCGTTTGGAATACACTGTCTTCCCACTGCTT-3'
Protein context (NP_892006.3, residues 2941-2961): QSCLENLVSQ[Met2951Leu]ALSEQEFSGQ